The following is an entry in ClinVar:

ClinVar aggregate classification (germline): Uncertain significance (1 of 4 stars; one submission).

Conditions:
Familial cancer of breast. Also called: hereditary breast carcinoma; Hereditary breast cancer; BREAST CANCER, FAMILIAL. Identifiers: Orphanet 227535, MedGen C0346153, MONDO:0016419, OMIM 114480. Disease mechanism: loss of function.

Submission:

Labcorp Genetics (formerly Invitae), Labcorp
Classification: Uncertain significance for Familial cancer of breast. Last evaluated: 2021-03-18. Review status: criteria provided, single submitter. Criteria: Invitae Variant Classification Sherloc (09022015). Collection method: clinical testing. Allele origin: germline.
Comment: In summary, the available evidence is currently insufficient to determine the role of this variant in disease. Therefore, it has been classified as a Variant of Uncertain Significance. Algorithms developed to predict the effect of missense changes on protein structure and function are either unavailable or do not agree on the potential impact of this missense change (SIFT: "Tolerated"; PolyPhen-2: "Probably Damaging"; Align-GVGD: "Class C0"). This variant has not been reported in the literature in individuals with PALB2-related conditions. This variant is not present in population databases (ExAC no frequency). This sequence change replaces glutamine with lysine at codon 921 of the PALB2 protein (p.Gln921Lys). The glutamine residue is highly conserved and there is a small physicochemical difference between glutamine and lysine.

NM_024675.4(PALB2):c.2761C>A (p.Gln921Lys)

Gene: PALB2 (partner and localizer of BRCA2; minus strand). Cytogenetic location: 16p12.2.
Variant type: single nucleotide variant.
Coding change: c.2761C>A on transcript NM_024675.4 (MANE Select); coding-DNA position 2761, C replaced by A.
Protein change: p.Gln921Lys; replaces glutamine 921 with lysine.
Molecular consequence: missense variant.
Genome position (GRCh38, 1-based): chr16:23,624,082, G>T on the plus strand (C>A on the coding strand, the complement: PALB2 is on the minus strand). VCF-style: chr16-23624082-G-T. GRCh37 (hg19) VCF-style: chr16-23635403-G-T.
Other names: short protein forms Q921K.
Identifiers: ClinVar variation 1351096 (VCV001351096.9), dbSNP rs180177124, ClinGen allele CA395145217.